The following is an entry in ClinVar:

ClinVar aggregate classification (germline): Uncertain significance (1 of 4 stars; one submission).

Submission:

Ambry Genetics
Classification: Uncertain significance. Last evaluated: 2025-02-22. Review status: criteria provided, single submitter. Criteria: Ambry Variant Classification Scheme 2023. Collection method: clinical testing. Allele origin: germline.
Comment: The p.F220L variant (also known as c.658T>C), located in coding exon 6 of the RAD51B gene, results from a T to C substitution at nucleotide position 658. The phenylalanine at codon 220 is replaced by leucine, an amino acid with highly similar properties. This amino acid position is conserved. In addition, the in silico prediction for this alteration is inconclusive. Based on the available evidence, the clinical significance of this variant remains unclear.

NM_133510.4(RAD51B):c.658T>C (p.Phe220Leu)

Gene: RAD51B (RAD51 paralog B; plus strand). Cytogenetic location: 14q24.1.
Variant type: single nucleotide variant.
Coding change: c.658T>C on transcript NM_133510.4 (MANE Select); coding-DNA position 658, T replaced by C.
Protein change: p.Phe220Leu; replaces phenylalanine 220 with leucine.
Molecular consequence: missense variant.
Genome position (GRCh38, 1-based): chr14:67,887,106, T>C. VCF-style: chr14-67887106-T-C. GRCh37 (hg19) VCF-style: chr14-68353823-T-C.
Other names: c.658T>C, p.Phe220Leu (NM_001321809.2, NM_001321810.2, NM_001321812.1 and 6 more transcripts); c.544T>C, p.Phe182Leu (NM_001321815.1); c.301T>C, p.Phe101Leu (NM_001321817.2); short protein forms F220L, F101L, F182L.
Identifiers: ClinVar variation 3786461 (VCV003786461.1).